The following is an entry in ClinVar:

ClinVar aggregate classification (germline): Uncertain significance. Review status: criteria provided, multiple submitters, no conflicts (2 of 4 stars). 2 submissions from 2 submitters: Uncertain significance (2). Last evaluated 2023-12-22.

Conditions:
Hereditary cancer-predisposing syndrome. Also called: Hereditary Cancer Syndrome; Tumor predisposition; Neoplastic Syndromes, Hereditary; Hereditary neoplastic syndrome. Identifiers: Orphanet 140162, MedGen C0027672, MeSH D009386, MONDO:0015356.
Gastrointestinal stromal tumor. Also called: Gastrointestinal stromal tumor, somatic; Gastrointestinal stroma tumor. Identifiers: Orphanet 44890, MedGen C0238198, MeSH D046152, MONDO:0011719, OMIM 606764, HP:0100723.
Pheochromocytoma/paraganglioma syndrome 3. Also called: SDHC-Related Hereditary Paraganglioma-Pheochromocytoma Syndrome (Paragangliomas 3); SDHC-Related Hereditary Paraganglioma-Pheochromocytoma Syndrome; Paragangliomas 3; GLOMUS TUMORS, FAMILIAL, 3. Identifiers: Orphanet 29072, MedGen C1854336, MONDO:0011544, OMIM 605373.

Submissions (2):

Ambry Genetics
Classification: Uncertain significance for Hereditary cancer-predisposing syndrome. Last evaluated: 2023-12-22. Review status: criteria provided, single submitter. Criteria: Ambry Variant Classification Scheme 2023. Collection method: clinical testing. Allele origin: germline.
Comment: The p.A66G variant (also known as c.197C>G), located in coding exon 4 of the SDHC gene, results from a C to G substitution at nucleotide position 197. The alanine at codon 66 is replaced by glycine, an amino acid with similar properties. This amino acid position is conserved. In addition, the in silico prediction for this alteration is inconclusive. Since supporting evidence is limited at this time, the clinical significance of this alteration remains unclear.

Labcorp Genetics (formerly Invitae), Labcorp
Classification: Uncertain significance for Pheochromocytoma/paraganglioma syndrome 3; Gastrointestinal stromal tumor. Last evaluated: 2018-05-22. Review status: criteria provided, single submitter. Criteria: Invitae Variant Classification Sherloc (09022015). Collection method: clinical testing. Allele origin: germline.
Comment: This variant has not been reported in the literature in individuals with SDHC-related disease. This sequence change replaces alanine with glycine at codon 66 of the SDHC protein (p.Ala66Gly). The alanine residue is moderately conserved and there is a small physicochemical difference between alanine and glycine. This variant is not present in population databases (ExAC no frequency). Algorithms developed to predict the effect of missense changes on protein structure and function are either unavailable or do not agree on the potential impact of this missense change (SIFT: "Tolerated"; PolyPhen-2: "Benign"; Align-GVGD: "Class C0"). In summary, the available evidence is currently insufficient to determine the role of this variant in disease. Therefore, it has been classified as a Variant of Uncertain Significance.

NM_003001.5(SDHC):c.197C>G (p.Ala66Gly)

Gene: SDHC (succinate dehydrogenase complex subunit C; plus strand). Cytogenetic location: 1q23.3.
Variant type: single nucleotide variant.
Coding change: c.197C>G on transcript NM_003001.5 (MANE Select); coding-DNA position 197, C replaced by G.
Protein change: p.Ala66Gly; replaces alanine 66 with glycine.
Molecular consequence: missense variant.
Genome position (GRCh38, 1-based): chr1:161,340,611, C>G. VCF-style: chr1-161340611-C-G. GRCh37 (hg19) VCF-style: chr1-161310401-C-G.
Other names: c.197C>G, p.Ala66Gly (NM_001035511.3); c.95C>G, p.Ala32Gly (NM_001035512.3, NM_001278172.3, NM_001407118.1); c.38C>G, p.Ala13Gly (NM_001035513.3); c.317C>G, p.Ala106Gly (NM_001407115.1); c.140C>G, p.Ala47Gly (NM_001407116.1, NM_001407117.1, NM_001407121.1); c.86C>G, p.Ala29Gly (NM_001407119.1, NM_001407120.1); short protein forms A66G, A13G, A32G, A29G, A47G, A106G.
Identifiers: ClinVar variation 572916 (VCV000572916.11), dbSNP rs760572684, ClinGen allele CA343365771.